The following is an entry in ClinVar:

ClinVar aggregate classification (germline): Uncertain significance (1 of 4 stars; one submission).

Conditions:
Inborn genetic diseases. Identifiers: MedGen C0950123, MeSH D030342.

Submission:

Ambry Genetics
Classification: Uncertain significance for Inborn genetic diseases. Last evaluated: 2025-12-19. Review status: criteria provided, single submitter. Criteria: Ambry Variant Classification Scheme 2023. Collection method: clinical testing. Allele origin: germline.
Comment: The p.T740S variant (also known as c.2218A>T), located in coding exon 12 of the BMPR2 gene, results from an A to T substitution at nucleotide position 2218. The threonine at codon 740 is replaced by serine, an amino acid with similar properties. This amino acid position is conserved. In addition, this alteration is predicted to be tolerated by in silico analysis. Based on the available evidence, the clinical significance of this variant remains unclear.

NM_001204.7(BMPR2):c.2218A>T (p.Thr740Ser)

Gene: BMPR2 (bone morphogenetic protein receptor type 2; plus strand). Cytogenetic location: 2q33.2.
Variant type: single nucleotide variant.
Coding change: c.2218A>T on transcript NM_001204.7 (MANE Select); coding-DNA position 2218, A replaced by T.
Protein change: p.Thr740Ser; replaces threonine 740 with serine.
Molecular consequence: missense variant.
Genome position (GRCh38, 1-based): chr2:202,555,883, A>T. VCF-style: chr2-202555883-A-T. GRCh37 (hg19) VCF-style: chr2-203420606-A-T.
Other names: short protein forms T740S.
Identifiers: ClinVar variation 4843351 (VCV004843351.1).